The following is an entry in ClinVar:

NM_001253852.3(AP4B1):c.151A>C (p.Met51Leu)

Gene: AP4B1 (adaptor related protein complex 4 subunit beta 1; minus strand). Cytogenetic location: 1p13.2.
Variant type: single nucleotide variant.
Coding change: c.151A>C on transcript NM_001253852.3 (MANE Select); coding-DNA position 151, A replaced by C.
Protein change: p.Met51Leu; replaces methionine 51 with leucine.
Molecular consequence: missense variant. On other transcripts: intron variant (2).
Genome position (GRCh38, 1-based): chr1:113,902,825, T>G on the plus strand (A>C on the coding strand, the complement: AP4B1 is on the minus strand). VCF-style: chr1-113902825-T-G. GRCh37 (hg19) VCF-style: chr1-114445447-T-G.
Other names: c.151A>C, p.Met51Leu (NM_006594.5); c.-56-91A>C (NM_001253853.3); c.113+1780A>C (NM_001308312.2); short protein forms M51L.
Identifiers: ClinVar variation 696207 (VCV000696207.40), dbSNP rs183034705, ClinGen allele CA1016174.
Genomic context (GRCh38, chr1:113,902,825, plus strand): 5'-ACAGATAAACCAACTTCTTCTGGACAATATCTACAGTGGCACTGGCCTTCACCATTTCCA[T>G]AAAAACACCAGACATGTCCAAGCCTTGAGTCATGTACCTGAACAACGCACATGACAGAAG-3'
Protein context (NP_001240781.1, residues 41-61): TQGLDMSGVF[Met51Leu]EMVKASATVD

ClinVar aggregate classification (germline): Benign/Likely benign. Review status: criteria provided, multiple submitters, no conflicts (2 of 4 stars). 6 submissions from 6 submitters: Benign (2); Likely benign (4). Last evaluated 2025-10-26.

Conditions:
Hereditary spastic paraplegia 47. Also called: CEREBRAL PALSY, SPASTIC QUADRIPLEGIC, 5; Spastic paraplegia 47, autosomal recessive; adaptor protein 4 (AP-4) deficiency syndrome. Identifiers: Orphanet 280763, MedGen C3279738, MONDO:0013551, OMIM 614066.
Inborn genetic diseases. Identifiers: MedGen C0950123, MeSH D030342.

Allele frequency attached by ClinVar (database versions not stated): gnomAD exomes 0.00018 and 0.00083; TOPMed 0.00043; gnomAD 0.00051; ExAC 0.00073; 1000 Genomes Project 0.00280; 1000 Genomes Project 30x 0.00297.

Submissions (6):

Labcorp Genetics (formerly Invitae), Labcorp
Classification: Benign for Hereditary spastic paraplegia 47. Last evaluated: 2025-10-26. Review status: criteria provided, single submitter. Criteria: Invitae Variant Classification Sherloc (09022015). Collection method: clinical testing. Allele origin: germline.

CeGaT Center for Human Genetics Tuebingen
Classification: Benign. Last evaluated: 2025-10-01. Review status: criteria provided, single submitter. Criteria: CeGaT Center For Human Genetics Tuebingen Variant Classification Criteria Version 2. Collection method: clinical testing. Allele origin: germline. Affected: yes. Observed: 2 variant alleles.
Comment: AP4B1: BS1, BS2

Blueprint Genetics
Classification: Likely benign. Last evaluated: 2024-10-23. Review status: criteria provided, single submitter. Criteria: ACMG Guidelines, 2015. Collection method: clinical testing. Allele origin: germline.

Genome-Nilou Lab
Classification: Likely benign for Hereditary spastic paraplegia 47. Last evaluated: 2023-04-11. Review status: criteria provided, single submitter. Criteria: ACMG Guidelines, 2015. Collection method: clinical testing. Allele origin: germline. Affected: no.

GeneDx
Classification: Likely benign. Last evaluated: 2021-05-05. Review status: criteria provided, single submitter. Criteria: GeneDx Variant Classification Process June 2021. Collection method: clinical testing. Allele origin: germline. Affected: yes.
Comment: See Variant Classification Assertion Criteria.

Ambry Genetics
Classification: Likely benign for Inborn genetic diseases. Last evaluated: 2018-03-12. Review status: criteria provided, single submitter. Criteria: Ambry Variant Classification Scheme 2023. Collection method: clinical testing. Allele origin: germline.